The following is an entry in ClinVar:

ClinVar aggregate classification (germline): Uncertain significance. Review status: criteria provided, multiple submitters, no conflicts (2 of 4 stars). 2 submissions from 2 submitters: Uncertain significance (2). Last evaluated 2025-05-19.

Conditions:
Inborn genetic diseases. Identifiers: MedGen C0950123, MeSH D030342.
Cornelia de Lange syndrome 5 (CDLS5). Also called: HDAC8-Related Cornelia de Lange Syndrome. Identifiers: Orphanet 199, MedGen C3550903, MONDO:0010471, OMIM 300882.

Allele frequency attached by ClinVar (database versions not stated): TOPMed below 0.00001.

Submissions (2):

Ambry Genetics
Classification: Uncertain significance for Inborn genetic diseases. Last evaluated: 2025-05-19. Review status: criteria provided, single submitter. Criteria: Ambry Variant Classification Scheme 2023. Collection method: clinical testing. Allele origin: germline.

Labcorp Genetics (formerly Invitae), Labcorp
Classification: Uncertain significance for Cornelia de Lange syndrome 5. Last evaluated: 2023-11-18. Review status: criteria provided, single submitter. Criteria: Invitae Variant Classification Sherloc (09022015). Collection method: clinical testing. Allele origin: germline.
Comment: This sequence change replaces isoleucine, which is neutral and non-polar, with threonine, which is neutral and polar, at codon 362 of the HDAC8 protein (p.Ile362Thr). This variant is not present in population databases (gnomAD no frequency). This variant has not been reported in the literature in individuals affected with HDAC8-related conditions. Advanced modeling of protein sequence and biophysical properties (such as structural, functional, and spatial information, amino acid conservation, physicochemical variation, residue mobility, and thermodynamic stability) performed at Invitae indicates that this missense variant is not expected to disrupt HDAC8 protein function with a negative predictive value of 95%. In summary, the available evidence is currently insufficient to determine the role of this variant in disease. Therefore, it has been classified as a Variant of Uncertain Significance.

NM_018486.3(HDAC8):c.1085T>C (p.Ile362Thr)

Gene: HDAC8 (histone deacetylase 8; minus strand). Cytogenetic location: Xq13.1.
Variant type: single nucleotide variant.
Coding change: c.1085T>C on transcript NM_018486.3 (MANE Select); coding-DNA position 1085, T replaced by C.
Protein change: p.Ile362Thr; replaces isoleucine 362 with threonine.
Molecular consequence: missense variant. On other transcripts: non-coding transcript variant (1).
Genome position (GRCh38, 1-based): chrX:72,351,759, A>G on the plus strand (T>C on the coding strand, the complement: HDAC8 is on the minus strand). VCF-style: chrX-72351759-A-G. GRCh37 (hg19) VCF-style: chrX-71571609-A-G.
Other names: c.812T>C, p.Ile271Thr (NM_001166418.2, NM_001410728.1); c.1085T>C, p.Ile362Thr (NM_001410725.1); c.1007T>C, p.Ile336Thr (NM_001410727.1); c.1085T>C (NM_018486.2); short protein forms I271T, I336T, I362T.
Identifiers: ClinVar variation 2840311 (VCV002840311.4), dbSNP rs2044188536, ClinGen allele CA413638393.
Genomic context (GRCh38, chrX:72,351,759, plus strand): 5'-ACAAGGAGGGCAGGCCTCGAGGGGCGGTGCTCACCTTTGATGTAGTTGAGGATTTGTTGG[A>G]TTCGGTGGGGCTCATTGCGGTCTGGCCGGCAGCTTGGCGTGATTTCCAGCACATAATCAG-3'
Protein context (NP_060956.1, residues 352-372): CRPDRNEPHR[Ile362Thr]QQILNYIKGN